The following is an entry in ClinVar:

NM_001131016.2(CIZ1):c.1142C>T (p.Pro381Leu)

Gene: CIZ1 (CDKN1A interacting zinc finger protein 1; minus strand). Cytogenetic location: 9q34.11.
Variant type: single nucleotide variant.
Coding change: c.1142C>T on transcript NM_001131016.2 (MANE Select); coding-DNA position 1142, C replaced by T.
Protein change: p.Pro381Leu; replaces proline 381 with leucine.
Molecular consequence: missense variant. On other transcripts: intron variant (3).
Genome position (GRCh38, 1-based): chr9:128,179,065, G>A on the plus strand (C>T on the coding strand, the complement: CIZ1 is on the minus strand). VCF-style: chr9-128179065-G-A. GRCh37 (hg19) VCF-style: chr9-130941344-G-A.
Other names: c.1232C>T, p.Pro411Leu (NM_001257975.2); c.839C>T, p.Pro280Leu (NM_001257976.2); c.1142C>T, p.Pro381Leu (NM_012127.3); c.1134+8C>T (NM_001131015.2); c.1062+8C>T (NM_001131018.2); c.1119+8C>T (NM_001131017.2); short protein forms P411L, P280L, P381L.
Identifiers: ClinVar variation 2849778 (VCV002849778.3), dbSNP rs2538807062, ClinGen allele CA375027865.

ClinVar aggregate classification (germline): Uncertain significance (1 of 4 stars; one submission).

Conditions:
Dystonic disorder. Also called: Dystonia. Identifiers: MedGen C0013421, MONDO:0003441, HP:0001332.

Submission:

Labcorp Genetics (formerly Invitae), Labcorp
Classification: Uncertain significance for Dystonic disorder. Last evaluated: 2023-03-26. Review status: criteria provided, single submitter. Criteria: Invitae Variant Classification Sherloc (09022015). Collection method: clinical testing. Allele origin: germline.
Comment: In summary, the available evidence is currently insufficient to determine the role of this variant in disease. Therefore, it has been classified as a Variant of Uncertain Significance. An algorithm developed to predict the effect of missense changes on protein structure and function (PolyPhen-2) suggests that this variant is likely to be tolerated. This variant has not been reported in the literature in individuals affected with CIZ1-related conditions. This variant is not present in population databases (gnomAD no frequency). This sequence change replaces proline, which is neutral and non-polar, with leucine, which is neutral and non-polar, at codon 381 of the CIZ1 protein (p.Pro381Leu).